The following is an entry in ClinVar:

NM_005529.7(HSPG2):c.11156G>A (p.Arg3719Gln)

Gene: HSPG2 (heparan sulfate proteoglycan 2; minus strand). Cytogenetic location: 1p36.12.
Variant type: single nucleotide variant.
Coding change: c.11156G>A on transcript NM_005529.7 (MANE Select); coding-DNA position 11156, G replaced by A.
Protein change: p.Arg3719Gln; replaces arginine 3719 with glutamine.
Molecular consequence: missense variant.
Genome position (GRCh38, 1-based): chr1:21,832,546, C>T on the plus strand (G>A on the coding strand, the complement: HSPG2 is on the minus strand). VCF-style: chr1-21832546-C-T. GRCh37 (hg19) VCF-style: chr1-22159039-C-T.
Other names: c.11159G>A, p.Arg3720Gln (NM_001291860.2); short protein forms R3719Q, R3720Q.
Identifiers: ClinVar variation 1519021 (VCV001519021.8), dbSNP rs78280998, ClinGen allele CA669903.

ClinVar aggregate classification (germline): Uncertain significance. Review status: criteria provided, multiple submitters, no conflicts (2 of 4 stars). 2 submissions from 2 submitters: Uncertain significance (2). Last evaluated 2022-08-16.

Allele frequency attached by ClinVar (database versions not stated): gnomAD 0.00002 and 0.00004; TOPMed 0.00002; 1000 Genomes Project 30x 0.00016; 1000 Genomes Project 0.00020.
gnomAD v4.1: 96 of 1,614,224 alleles (0.0059%); highest among the groups gnomAD compares: East Asian, 0.016%; no homozygotes.

Submissions (2):

Labcorp Genetics (formerly Invitae), Labcorp
Classification: Uncertain significance. Last evaluated: 2022-08-16. Review status: criteria provided, single submitter. Criteria: Invitae Variant Classification Sherloc (09022015). Collection method: clinical testing. Allele origin: germline.
Comment: In summary, the available evidence is currently insufficient to determine the role of this variant in disease. Therefore, it has been classified as a Variant of Uncertain Significance. Algorithms developed to predict the effect of sequence changes on RNA splicing suggest that this variant may create or strengthen a splice site. Algorithms developed to predict the effect of missense changes on protein structure and function are either unavailable or do not agree on the potential impact of this missense change (SIFT: "Tolerated"; PolyPhen-2: "Possibly Damaging"; Align-GVGD: "Class C0"). ClinVar contains an entry for this variant (Variation ID: 1519021). This variant has not been reported in the literature in individuals affected with HSPG2-related conditions. This variant is present in population databases (rs78280998, gnomAD 0.02%). This sequence change replaces arginine, which is basic and polar, with glutamine, which is neutral and polar, at codon 3719 of the HSPG2 protein (p.Arg3719Gln).

Revvity Omics, Revvity
Classification: Uncertain significance. Last evaluated: 2019-06-19. Review status: criteria provided, single submitter. Criteria: ACMG Guidelines, 2015. Collection method: clinical testing. Allele origin: germline.